The following is an entry in ClinVar:

ClinVar aggregate classification (germline): Uncertain significance (1 of 4 stars; one submission).

Conditions:
Smith-Magenis syndrome (SMS). Also called: CHROMOSOME 17p11.2 DELETION SYNDROME. Identifiers: Orphanet 819, MedGen C0795864, MONDO:0008434, OMIM 182290.

Submission:

Servicio de Genética Del Instituto Nacional de Salud Del Niño, Ministerio de Salud
Classification: Uncertain significance for Smith-Magenis syndrome. Last evaluated: 2024-11-18. Review status: criteria provided, single submitter. Criteria: ACMG Guidelines, 2015. Collection method: clinical testing. Allele origin: germline. Inheritance: Autosomal dominant inheritance.
Comment: The variant NM_030665.4:c.5554G>A results in the substitution of alanine with threonine at position 1852 in the protein. Alanine is a small, non-polar amino acid, while threonine contains a hydroxyl group, which could potentially affect the protein's structure or function. Based on PM2 (absence from controls or databases), this variant is classified as uncertain significance

NM_030665.4(RAI1):c.5554G>A (p.Ala1852Thr)

Gene: RAI1 (retinoic acid induced 1; plus strand). Cytogenetic location: 17p11.2.
Variant type: single nucleotide variant.
Coding change: c.5554G>A on transcript NM_030665.4 (MANE Select); coding-DNA position 5554, G replaced by A.
Protein change: p.Ala1852Thr; replaces alanine 1852 with threonine.
Molecular consequence: missense variant.
Genome position (GRCh38, 1-based): chr17:17,798,502, G>A. VCF-style: chr17-17798502-G-A. GRCh37 (hg19) VCF-style: chr17-17701816-G-A.
Other names: short protein forms A1852T.
Identifiers: ClinVar variation 3381248 (VCV003381248.2).